The following is an entry in ClinVar:

NM_002972.4(SBF1):c.2829G>T (p.Thr943=)

Gene: SBF1 (SET binding factor 1; minus strand). Cytogenetic location: 22q13.33.
Variant type: single nucleotide variant.
Coding change: c.2829G>T on transcript NM_002972.4 (MANE Select); coding-DNA position 2829, G replaced by T.
Protein change: p.Thr943=; no amino-acid change (threonine 943 retained).
Molecular consequence: synonymous variant.
Genome position (GRCh38, 1-based): chr22:50,461,533, C>A on the plus strand (G>T on the coding strand, the complement: SBF1 is on the minus strand). VCF-style: chr22-50461533-C-A. GRCh37 (hg19) VCF-style: chr22-50899962-C-A.
Other names: c.2832G>T, p.Thr944= (NM_001365819.1, NM_001410794.1); c.2829G>T, p.Thr943= (NM_001410795.1, NM_197971.1).
Identifiers: ClinVar variation 2653390 (VCV002653390.24), dbSNP rs537275979, ClinGen allele CA10317048.
Genomic context (GRCh38, chr22:50,461,533, plus strand): 5'-AAAGACCTGGGGGAGAGGGGGCGACAGGGCCAGAGAGTCTGCAGGCTCACCCAGGGGGTC[C>A]GTGGGCATCCCCGTGAAGATGACCCGGTACGTGGTGAGGAAGACGGCGCCCTCAGCTGGG-3'
Protein context (NP_002963.2, residues 933-953): TYRVIFTGMP[Thr943=]DPLVGEQVVV

ClinVar aggregate classification (germline): Likely benign (1 of 4 stars; one submission).

gnomAD v4.1: 15 of 1,599,422 alleles (0.00094%); highest among the groups gnomAD compares: South Asian, 0.014%; no homozygotes.

Submission:

CeGaT Center for Human Genetics Tuebingen
Classification: Likely benign. Last evaluated: 2023-03-01. Review status: criteria provided, single submitter. Criteria: CeGaT Center For Human Genetics Tuebingen Variant Classification Criteria Version 2. Collection method: clinical testing. Allele origin: germline. Affected: yes. Observed: 1 variant allele.
Comment: SBF1: BP4, BP7